The following is an entry in ClinVar:

NM_000466.3(PEX1):c.3031-1G>A

Genes: PEX1 (peroxisomal biogenesis factor 1; minus strand), GATAD1 (GATA zinc finger domain containing 1; plus strand). Cytogenetic location: 7q21.2.
Variant type: single nucleotide variant.
Coding change: c.3031-1G>A on transcript NM_000466.3 (MANE Select); the canonical splice acceptor site of the intron before coding-DNA position 3031, G replaced by A.
Molecular consequence: splice acceptor variant.
Genome position (GRCh38, 1-based): chr7:92,493,130, C>T on the plus strand (G>A on the coding strand, the complement: PEX1 is on the minus strand). VCF-style: chr7-92493130-C-T. GRCh37 (hg19) VCF-style: chr7-92122444-C-T.
Other names: c.2860-1G>A (NM_001282677.2); c.2407-1G>A (NM_001282678.2).
Identifiers: ClinVar variation 2134256 (VCV002134256.5), dbSNP rs2484629571, ClinGen allele CA368167139.

ClinVar aggregate classification (germline): Likely pathogenic. Review status: criteria provided, multiple submitters, no conflicts (2 of 4 stars). 2 submissions from 2 submitters: Likely pathogenic (2). Last evaluated 2024-10-23.

Conditions:
Zellweger spectrum disorders (ZS). Also called: Zellweger syndrome; Zellweger Spectrum Disorder; Zellweger Spectrum; Zellweger Spectrum Disorder (ZSD). Identifiers: Orphanet 912, MedGen C0043459, MONDO:0019609.
Heimler syndrome 1 (HMLR1). Also called: PEROXISOME BIOGENESIS DISORDER 1C. Identifiers: Orphanet 3220, MedGen C4551980, OMIM 234580, MONDO:0024544.

Submissions (2):

Labcorp Genetics (formerly Invitae), Labcorp
Classification: Likely pathogenic for Zellweger spectrum disorders. Last evaluated: 2024-10-23. Review status: criteria provided, single submitter. Criteria: Invitae Variant Classification Sherloc (09022015). Collection method: clinical testing. Allele origin: germline.
Comment: This sequence change affects an acceptor splice site in intron 19 of the PEX1 gene. It is expected to disrupt RNA splicing. Variants that disrupt the donor or acceptor splice site typically lead to a loss of protein function (PMID: 16199547), and loss-of-function variants in PEX1 are known to be pathogenic (PMID: 21031596, 26387595, 31831025). This variant is not present in population databases (gnomAD no frequency). This variant has not been reported in the literature in individuals affected with PEX1-related conditions. ClinVar contains an entry for this variant (Variation ID: 2134256). Algorithms developed to predict the effect of sequence changes on RNA splicing suggest that this variant may disrupt the consensus splice site. In summary, the currently available evidence indicates that the variant is pathogenic, but additional data are needed to prove that conclusively. Therefore, this variant has been classified as Likely Pathogenic.

Baylor Genetics
Classification: Likely pathogenic for Heimler syndrome 1. Last evaluated: 2023-08-20. Review status: criteria provided, single submitter. Criteria: ACMG Guidelines, 2015. Collection method: clinical testing. Allele origin: unknown.

Literature cited by the submitters: PubMed 16199547 (cited by Labcorp Genetics (formerly Invitae), Labcorp); PubMed 21031596 (cited by Labcorp Genetics (formerly Invitae), Labcorp); PubMed 26387595 (cited by Labcorp Genetics (formerly Invitae), Labcorp); PubMed 31831025 (cited by Labcorp Genetics (formerly Invitae), Labcorp).